The following is an entry in ClinVar:

ClinVar aggregate classification (germline): Pathogenic (1 of 4 stars; one submission).

Submission:

Labcorp Genetics (formerly Invitae), Labcorp
Classification: Pathogenic. Last evaluated: 2022-10-13. Review status: criteria provided, single submitter. Criteria: Invitae Variant Classification Sherloc (09022015). Collection method: clinical testing. Allele origin: germline.
Comment: ClinVar contains an entry for this variant (Variation ID: 1072067). For these reasons, this variant has been classified as Pathogenic. This variant has not been reported in the literature in individuals affected with USH2A-related conditions. This variant is not present in population databases (gnomAD no frequency). This sequence change creates a premature translational stop signal (p.Trp5042*) in the USH2A gene. It is expected to result in an absent or disrupted protein product. Loss-of-function variants in USH2A are known to be pathogenic (PMID: 10729113, 10909849, 20507924, 25649381).

Literature cited by the submitters: PubMed 10729113; PubMed 10909849; PubMed 20507924; PubMed 25649381.

NM_206933.4(USH2A):c.15126G>A (p.Trp5042Ter)

Gene: USH2A (usherin; minus strand). Cytogenetic location: 1q41.
Variant type: single nucleotide variant.
Coding change: c.15126G>A on transcript NM_206933.4 (MANE Select); coding-DNA position 15126, G replaced by A.
Protein change: p.Trp5042Ter; replaces tryptophan 5042 with a stop codon.
Molecular consequence: nonsense.
Genome position (GRCh38, 1-based): chr1:215,634,630, C>T on the plus strand (G>A on the coding strand, the complement: USH2A is on the minus strand). VCF-style: chr1-215634630-C-T. GRCh37 (hg19) VCF-style: chr1-215807972-C-T.
Other names: short protein forms W5042*.
Identifiers: ClinVar variation 1072067 (VCV001072067.7), dbSNP rs2102630641, ClinGen allele CA344824323.